The following is an entry in ClinVar:

NM_000051.4(ATM):c.2251-2A>T

Gene: ATM (ATM serine/threonine kinase; plus strand). Cytogenetic location: 11q22.3.
Variant type: single nucleotide variant.
Coding change: c.2251-2A>T on transcript NM_000051.4 (MANE Select); the canonical splice acceptor site of the intron before coding-DNA position 2251, A replaced by T.
Molecular consequence: splice acceptor variant.
Genome position (GRCh38, 1-based): chr11:108,257,479, A>T. VCF-style: chr11-108257479-A-T. GRCh37 (hg19) VCF-style: chr11-108128206-A-T.
Other names: NM_000051.4:c.2251-2A>T; c.2251-2A>T (NM_001351834.2).
Identifiers: ClinVar variation 4056347 (VCV004056347.1).

ClinVar aggregate classification (germline): Pathogenic (3 of 4 stars; one submission).

Conditions:
ATM-related cancer predisposition. Also called: ATM-related cancer susceptibility. Identifiers: MedGen CN377759, MONDO:0700270.

Submission:

ClinGen Hereditary Breast, Ovarian and Pancreatic Cancer Variant Curation Expert Panel, ClinGen
Classification: Pathogenic for ATM-related cancer predisposition. Last evaluated: 2025-06-11. Review status: reviewed by expert panel. Criteria: ClinGen HBOP ACMG Specifications ATM V1.3.0. Collection method: curation. Allele origin: germline. Inheritance: Autosomal dominant inheritance.
Comment: The c.2251-2A>T variant in ATM occurs within the canonical splice acceptor site (+/- 1,2) of intron 14. It is predicted to cause disrupted splicing of a biologically-relevant-exon resulting in an out-frame deletion that is predicted to escape nonsense mediated decay. This variant has been detected in at least two unrelated individuals with Ataxia-Telangiectasia (PMIDs: 26896183, 34859152). This variant is absent from gnomAD v4.1.0. In summary, this variant meets the criteria to be classified as pathogenic for autosomal dominant ATM-related cancer predisposition and autosomal recessive Ataxia-Telangiectasia based on the ACMG/AMP criteria applied as specified by the HBOP VCEP. (PVS1, PM3_Strong, PM2_Supporting)